The following is an entry in ClinVar:

NM_001003800.2(BICD2):c.1476C>G (p.Ser492Arg)

Gene: BICD2 (BICD cargo adaptor 2; minus strand). Cytogenetic location: 9q22.31.
Variant type: single nucleotide variant.
Coding change: c.1476C>G on transcript NM_001003800.2 (MANE Select); coding-DNA position 1476, C replaced by G.
Protein change: p.Ser492Arg; replaces serine 492 with arginine.
Molecular consequence: missense variant.
Genome position (GRCh38, 1-based): chr9:92,719,169, G>C on the plus strand (C>G on the coding strand, the complement: BICD2 is on the minus strand). VCF-style: chr9-92719169-G-C. GRCh37 (hg19) VCF-style: chr9-95481451-G-C.
Other names: c.1476C>G, p.Ser492Arg (NM_015250.4); short protein forms S492R.
Identifiers: ClinVar variation 4745033 (VCV004745033.1).

ClinVar aggregate classification (germline): Uncertain significance (1 of 4 stars; one submission).

Conditions:
Autosomal dominant childhood-onset proximal spinal muscular atrophy with contractures (SMALED2A). Also called: SPINAL MUSCULAR ATROPHY, LOWER EXTREMITY-PREDOMINANT, 2A, CHILDHOOD ONSET, AUTOSOMAL DOMINANT; Spinal muscular atrophy, lower extremity-predominant, 2A, autosomal dominant. Identifiers: Orphanet 363447, Orphanet 363454, MedGen C4747715, MONDO:0014121, OMIM 615290.

Submission:

Labcorp Genetics (formerly Invitae), Labcorp
Classification: Uncertain significance for Autosomal dominant childhood-onset proximal spinal muscular atrophy with contractures. Last evaluated: 2026-01-19. Review status: criteria provided, single submitter. Criteria: Invitae Variant Classification Sherloc (09022015). Collection method: clinical testing. Allele origin: germline.
Comment: This sequence change replaces serine, which is neutral and polar, with arginine, which is basic and polar, at codon 492 of the BICD2 protein (p.Ser492Arg). This variant is not present in population databases (gnomAD no frequency). This variant has not been reported in the literature in individuals affected with BICD2-related conditions. Invitae Evidence Modeling of protein sequence and biophysical properties (such as structural, functional, and spatial information, amino acid conservation, physicochemical variation, residue mobility, and thermodynamic stability) indicates that this missense variant is not expected to disrupt BICD2 protein function with a negative predictive value of 80%. In summary, the available evidence is currently insufficient to determine the role of this variant in disease. Therefore, it has been classified as a Variant of Uncertain Significance.